The following is an entry in ClinVar:

ClinVar aggregate classification (germline): Likely pathogenic (1 of 4 stars; one submission).

Submission:

Labcorp Genetics (formerly Invitae), Labcorp
Classification: Likely pathogenic. Last evaluated: 2024-10-06. Review status: criteria provided, single submitter. Criteria: Invitae Variant Classification Sherloc (09022015). Collection method: clinical testing. Allele origin: germline.
Comment: This sequence change affects an acceptor splice site in intron 8 of the ATP2C1 gene. It is expected to disrupt RNA splicing. Variants that disrupt the donor or acceptor splice site typically lead to a loss of protein function (PMID: 16199547), and loss-of-function variants in ATP2C1 are known to be pathogenic (PMID: 10615129, 10767338, 11841554). This variant is not present in population databases (gnomAD no frequency). Disruption of this splice site has been observed in individual(s) with Hailey-Hailey disease (PMID: 20226632). Algorithms developed to predict the effect of sequence changes on RNA splicing suggest that this variant may disrupt the consensus splice site. In summary, the currently available evidence indicates that the variant is pathogenic, but additional data are needed to prove that conclusively. Therefore, this variant has been classified as Likely Pathogenic.

Literature cited by the submitters: PubMed 16199547; PubMed 10615129; PubMed 10767338; PubMed 11841554; PubMed 20226632.

NM_001378687.1(ATP2C1):c.688-1G>A

Gene: ATP2C1 (ATPase secretory pathway Ca2+ transporting 1; plus strand). Cytogenetic location: 3q22.1.
Variant type: single nucleotide variant.
Coding change: c.688-1G>A on transcript NM_001378687.1 (MANE Select); the canonical splice acceptor site of the intron before coding-DNA position 688, G replaced by A.
Molecular consequence: splice acceptor variant.
Genome position (GRCh38, 1-based): chr3:130,955,011, G>A. VCF-style: chr3-130955011-G-A. GRCh37 (hg19) VCF-style: chr3-130673855-G-A.
Other names: c.790-1G>A (NM_001378511.1, NM_001199180.2, NM_001199181.3); c.673-1G>A (NM_001199182.2); c.688-1G>A (NM_001001486.2, NM_001001487.2, NM_001001485.3 and 5 more transcripts); c.640-1G>A (NM_001378514.1, NM_001199183.2, NM_001199184.3).
Identifiers: ClinVar variation 3720535 (VCV003720535.2).